The following is an entry in ClinVar:

ClinVar aggregate classification (germline): Likely benign (0 of 4 stars; one submission).

Conditions:
LRRC45-related disorder. Also called: LRRC45-related condition.

Submission:

PreventionGenetics, part of Exact Sciences
Classification: Likely benign for LRRC45-related condition. Last evaluated: 2024-07-18. Review status: no assertion criteria provided. Collection method: clinical testing. Allele origin: germline.
Comment: This variant is classified as likely benign based on ACMG/AMP sequence variant interpretation guidelines (Richards et al. 2015 PMID: 25741868, with internal and published modifications).

NM_144999.4(LRRC45):c.496C>T (p.Leu166=)

Gene: LRRC45 (leucine rich repeat containing 45; plus strand). Cytogenetic location: 17q25.3.
Variant type: single nucleotide variant.
Coding change: c.496C>T on transcript NM_144999.4 (MANE Select); coding-DNA position 496, C replaced by T.
Protein change: p.Leu166=; no amino-acid change (leucine 166 retained).
Molecular consequence: synonymous variant.
Genome position (GRCh38, 1-based): chr17:82,025,142, C>T. VCF-style: chr17-82025142-C-T. GRCh37 (hg19) VCF-style: chr17-79983018-C-T.
Identifiers: ClinVar variation 3357477 (VCV003357477.1).